The following is an entry in ClinVar:

ClinVar aggregate classification (germline): Uncertain significance (1 of 4 stars; one submission).

Conditions:
Mendelian susceptibility to mycobacterial diseases due to complete IL12B deficiency. Also called: IL12B DEFICIENCY; Immunodeficiency 29. Identifiers: Orphanet 319558, MedGen C4013948, MONDO:0013954, OMIM 614890.

Allele frequency attached by ClinVar (database versions not stated): gnomAD 0.00001; TOPMed 0.00002.

Submission:

Labcorp Genetics (formerly Invitae), Labcorp
Classification: Uncertain significance for Mendelian susceptibility to mycobacterial diseases due to complete IL12B deficiency. Last evaluated: 2020-03-09. Review status: criteria provided, single submitter. Criteria: Invitae Variant Classification Sherloc (09022015). Collection method: clinical testing. Allele origin: germline.
Comment: This sequence change replaces valine with leucine at codon 212 of the IL12B protein (p.Val212Leu). The valine residue is weakly conserved and there is a small physicochemical difference between valine and leucine. This variant is not present in population databases (ExAC no frequency). This variant has not been reported in the literature in individuals with IL12B-related conditions. Algorithms developed to predict the effect of missense changes on protein structure and function output the following: SIFT: "Tolerated"; PolyPhen-2: "Benign"; Align-GVGD: "Class C0". The leucine amino acid residue is found in multiple mammalian species, suggesting that this missense change does not adversely affect protein function. These predictions have not been confirmed by published functional studies and their clinical significance is uncertain. In summary, the available evidence is currently insufficient to determine the role of this variant in disease. Therefore, it has been classified as a Variant of Uncertain Significance.

NM_002187.3(IL12B):c.634G>C (p.Val212Leu)

Gene: IL12B (interleukin 12B; minus strand). Cytogenetic location: 5q33.3.
Variant type: single nucleotide variant.
Coding change: c.634G>C on transcript NM_002187.3 (MANE Select); coding-DNA position 634, G replaced by C.
Protein change: p.Val212Leu; replaces valine 212 with leucine.
Molecular consequence: missense variant.
Genome position (GRCh38, 1-based): chr5:159,320,369, C>G on the plus strand (G>C on the coding strand, the complement: IL12B is on the minus strand). VCF-style: chr5-159320369-C-G. GRCh37 (hg19) VCF-style: chr5-158747377-C-G.
Other names: short protein forms V212L.
Identifiers: ClinVar variation 1018823 (VCV001018823.8), dbSNP rs1354465878, ClinGen allele CA362032532.